The following is an entry in ClinVar:

ClinVar aggregate classification (germline): Pathogenic. Review status: reviewed by expert panel (3 of 4 stars). 10 submissions from 10 submitters: Pathogenic (1). 9 of the submissions do not count toward it. Last evaluated 2016-09-08.

Conditions:
Hereditary breast ovarian cancer syndrome. Also called: Hereditary breast and ovarian cancer syndrome; Hereditary breast and ovarian cancer; Hereditary breast and ovarian cancer syndrome (HBOC); Breast and ovarian cancer; Hereditary breast and/or ovarian cancer syndrome; BRCA1- and BRCA2-Associated Hereditary Breast and Ovarian Cancer. Identifiers: Orphanet 145, MedGen C0677776, MeSH D061325, MONDO:0003582. Disease mechanism: loss of function.
Familial cancer of breast. Also called: BREAST CANCER, FAMILIAL; Hereditary breast cancer; hereditary breast carcinoma. Identifiers: Orphanet 227535, MedGen C0346153, MONDO:0016419, OMIM 114480. Disease mechanism: loss of function.
Hereditary cancer-predisposing syndrome. Also called: Neoplastic Syndromes, Hereditary; Tumor predisposition; Hereditary neoplastic syndrome; Hereditary Cancer Syndrome. Identifiers: Orphanet 140162, MedGen C0027672, MeSH D009386, MONDO:0015356.
Breast-ovarian cancer, familial, susceptibility to, 2 (BROVCA2). Also called: BRCA2 Hereditary Breast and Ovarian Cancer. Identifiers: Orphanet 145, MedGen C2675520, MONDO:0012933, OMIM 612555. Disease mechanism: loss of function.

Submissions (10):

Evidence-based Network for the Interpretation of Germline Mutant Alleles (ENIGMA)
Classification: Pathogenic for Breast-ovarian cancer, familial, susceptibility to, 2. Last evaluated: 2016-09-08. Review status: reviewed by expert panel. Criteria: ENIGMA BRCA1/2 Classification Criteria (2015). Collection method: curation. Allele origin: germline.
Comment: Variant allele predicted to encode a truncated non-functional protein.

Women's Health and Genetics/Laboratory Corporation of America, LabCorp
Classification: Pathogenic for Hereditary breast ovarian cancer syndrome. Last evaluated: 2025-12-22. Review status: criteria provided, single submitter. Criteria: LabCorp Variant Classification Summary - May 2015. Collection method: clinical testing. Allele origin: germline. Not counted in ClinVar's aggregate classification.
Comment: Variant summary: BRCA2 c.5702_5703delAG (p.Glu1901GlyfsX5) results in a premature termination codon, predicted to cause a truncation of the encoded protein or absence of the protein due to nonsense mediated decay, which are commonly known mechanisms for disease. The variant was absent in 250756 control chromosomes. c.5702_5703delAG has been observed in individual(s) affected with Hereditary Breast And Ovarian Cancer Syndrome. The following publication have been ascertained in the context of this evaluation (PMID: 29446198). ClinVar contains an entry for this variant (Variation ID: 51911). Based on the evidence outlined above, the variant was classified as pathogenic.

Labcorp Genetics (formerly Invitae), Labcorp
Classification: Pathogenic for Hereditary breast ovarian cancer syndrome. Last evaluated: 2025-11-20. Review status: criteria provided, single submitter. Criteria: Invitae Variant Classification Sherloc (09022015). Collection method: clinical testing. Allele origin: germline. Not counted in ClinVar's aggregate classification.
Comment: This sequence change creates a premature translational stop signal (p.Glu1901Glyfs*5) in the BRCA2 gene. It is expected to result in an absent or disrupted protein product. Loss-of-function variants in BRCA2 are known to be pathogenic (PMID: 20104584). This variant is not present in population databases (gnomAD no frequency). This variant has not been reported in the literature in individuals affected with BRCA2-related conditions. For these reasons, this variant has been classified as Pathogenic.

GeneDx
Classification: Pathogenic. Last evaluated: 2025-08-29. Review status: criteria provided, single submitter. Criteria: GeneDx Variant Classification Process June 2021. Collection method: clinical testing. Allele origin: germline. Affected: yes. Not counted in ClinVar's aggregate classification.
Comment: Frameshift variant predicted to result in protein truncation or nonsense mediated decay in a gene for which loss of function is a known mechanism of disease; Not observed at significant frequency in large population cohorts (gnomAD); Truncating variants in this gene are considered pathogenic by a well-established clinical consortium and/or database; Has not been previously published as pathogenic or benign to our knowledge; Also known as 5930_5931delAG; This variant is associated with the following publications: (PMID: 10923033)

Quest Diagnostics Nichols Institute San Juan Capistrano
Classification: Pathogenic. Last evaluated: 2024-09-17. Review status: criteria provided, single submitter. Criteria: Quest Diagnostics criteria. Collection method: clinical testing. Allele origin: unknown. Not counted in ClinVar's aggregate classification.
Comment: The BRCA2 c.5702_5703del (p.Glu1901Glyfs*5) variant alters the translational reading frame of the BRCA2 mRNA and causes the premature termination of BRCA2 protein synthesis. This variant has not been reported in individuals with BRCA2-related conditions in the published literature. This variant has not been reported in large, multi-ethnic general populations (Genome Aggregation Database). Based on the available information, this variant is classified as pathogenic.

Ambry Genetics
Classification: Pathogenic for Hereditary cancer-predisposing syndrome. Last evaluated: 2023-06-16. Review status: criteria provided, single submitter. Criteria: Ambry Variant Classification Scheme 2023. Collection method: clinical testing. Allele origin: germline. Not counted in ClinVar's aggregate classification.
Comment: The c.5702_5703delAG pathogenic mutation, located in coding exon 10 of the BRCA2 gene, results from a deletion of two nucleotides at nucleotide positions 5702 to 5703, causing a translational frameshift with a predicted alternate stop codon (p.E1901Gfs*5). This alteration is expected to result in loss of function by premature protein truncation or nonsense-mediated mRNA decay. As such, this alteration is interpreted as a disease-causing mutation.

Baylor Genetics
Classification: Pathogenic for Familial cancer of breast. Last evaluated: 2022-05-13. Review status: criteria provided, single submitter. Criteria: ACMG Guidelines, 2015. Collection method: clinical testing. Allele origin: unknown. Not counted in ClinVar's aggregate classification.

Consortium of Investigators of Modifiers of BRCA1/2 (CIMBA), c/o University of Cambridge
Classification: Pathogenic for Breast-ovarian cancer, familial, susceptibility to, 2. Last evaluated: 2015-10-02. Review status: criteria provided, single submitter. Criteria: CIMBA Mutation Classification guidelines May 2016. Collection method: clinical testing. Allele origin: germline. Not counted in ClinVar's aggregate classification.

Research Molecular Genetics Laboratory, Women's College Hospital, University of Toronto
Classification: Pathogenic for Hereditary breast ovarian cancer syndrome. Last evaluated: 2014-01-31. Review status: no assertion criteria provided. Collection method: research. Allele origin: germline. Affected: yes. Study: The Canadian Open Genetics Repository (COGR). Not counted in ClinVar's aggregate classification.

Breast Cancer Information Core (BIC) (BRCA2)
Classification: Pathogenic for Breast-ovarian cancer, familial 2. Last evaluated: 2004-02-20. Review status: no assertion criteria provided. Collection method: clinical testing. Allele origin: germline. Affected: yes. Observed: 2 variant alleles. Not counted in ClinVar's aggregate classification.

Literature cited by the submitters: PubMed 29446198 (cited by Women's Health and Genetics/Laboratory Corporation of America, LabCorp); PubMed 20104584 (cited by Labcorp Genetics (formerly Invitae), Labcorp).

NM_000059.4(BRCA2):c.5702_5703del (p.Glu1901fs)

Gene: BRCA2 (BRCA2 DNA repair associated; plus strand). Cytogenetic location: 13q13.1.
Variant type: Microsatellite.
Coding change: c.5702_5703del on transcript NM_000059.4 (MANE Select); coding-DNA positions 5702 to 5703, 2 bases deleted (AG; older notation c.5702_5703delAG).
Protein change: p.Glu1901fs; shifts the reading frame from glutamic acid 1901.
Molecular consequence: frameshift variant.
Genome position (GRCh38, 1-based): chr13:32,340,057-32,340,058, AG deleted; deleting any 2 consecutive bases within chr13:32,340,055-32,340,058 gives the same sequence; the c. name uses the placement nearest the transcript's 3' end. VCF-style (leftmost placement, unchanged base first): chr13-32340054-CAG-C. GRCh37 (hg19) VCF-style: chr13-32914191-CAG-C.
Other names: 5930delAG; c.5702_5703delAG (NM_000059.3, NM_000059.4); short protein forms E1901fs.
Identifiers: ClinVar variation 51911 (VCV000051911.23), dbSNP rs80359528, ClinGen allele CA023007.